The following is an entry in ClinVar:

ClinVar aggregate classification (germline): Uncertain significance. Review status: criteria provided, multiple submitters, no conflicts (2 of 4 stars). 2 submissions from 2 submitters: Uncertain significance (2). Last evaluated 2025-12-31.

Conditions:
Beckwith-Wiedemann syndrome (BWS). Also called: EMG SYNDROME; Exomphalos macroglossia gigantism syndrome. Identifiers: Orphanet 116, MedGen C0004903, MONDO:0007534, OMIM 130650.

Allele frequency attached by ClinVar (database versions not stated): TOPMed 0.00001.
gnomAD v4.1: 2 of 1,530,892 alleles (0.00013%); highest among the groups gnomAD compares: African/African-American, 0.0014%; no homozygotes.

Submissions (2):

Labcorp Genetics (formerly Invitae), Labcorp
Classification: Uncertain significance for Beckwith-Wiedemann syndrome. Last evaluated: 2025-12-31. Review status: criteria provided, single submitter. Criteria: Invitae Variant Classification Sherloc (09022015). Collection method: clinical testing. Allele origin: germline.
Comment: This sequence change replaces leucine, which is neutral and non-polar, with valine, which is neutral and non-polar, at codon 103 of the CDKN1C protein (p.Leu103Val). This variant is not present in population databases (gnomAD no frequency). This variant has not been reported in the literature in individuals affected with CDKN1C-related conditions. ClinVar contains an entry for this variant (Variation ID: 572276). Invitae Evidence Modeling of protein sequence and biophysical properties (such as structural, functional, and spatial information, amino acid conservation, physicochemical variation, residue mobility, and thermodynamic stability) indicates that this missense variant is not expected to disrupt CDKN1C protein function with a negative predictive value of 80%. In summary, the available evidence is currently insufficient to determine the role of this variant in disease. Therefore, it has been classified as a Variant of Uncertain Significance.

Baylor Genetics
Classification: Uncertain significance for Beckwith-Wiedemann syndrome. Last evaluated: 2023-10-10. Review status: criteria provided, single submitter. Criteria: ACMG Guidelines, 2015. Collection method: clinical testing. Allele origin: unknown.

NM_001122630.2(CDKN1C):c.274C>G (p.Leu92Val)

Gene: CDKN1C (cyclin dependent kinase inhibitor 1C; minus strand). Cytogenetic location: 11p15.4.
Variant type: single nucleotide variant.
Coding change: c.274C>G on transcript NM_001122630.2 (MANE Select); coding-DNA position 274, C replaced by G.
Protein change: p.Leu92Val; replaces leucine 92 with valine.
Molecular consequence: missense variant. On other transcripts: intron variant (1).
Genome position (GRCh38, 1-based): chr11:2,885,183, G>C on the plus strand (C>G on the coding strand, the complement: CDKN1C is on the minus strand). VCF-style: chr11-2885183-G-C. GRCh37 (hg19) VCF-style: chr11-2906413-G-C.
Other names: c.307C>G, p.Leu103Val (NM_000076.2, NM_001362474.2, LRG_533t1); c.274C>G, p.Leu92Val (NM_001122631.2); c.255+19C>G (NM_001362475.2); short protein forms L103V, L92V.
Identifiers: ClinVar variation 572276 (VCV000572276.9), dbSNP rs1416112498, ClinGen allele CA379146998.